The following is an entry in ClinVar:

ClinVar aggregate classification (germline): Uncertain significance. Review status: criteria provided, multiple submitters, no conflicts (2 of 4 stars). 2 submissions from 2 submitters: Uncertain significance (2). Last evaluated 2024-03-26.

Conditions:
Neutrophil immunodeficiency syndrome. Also called: Immunodeficiency 73A with defective neutrophil chemotaxis and leukocytosis. Identifiers: Orphanet 183707, MedGen C1842398, MONDO:0011988, OMIM 608203.

Submissions (2):

Blueprint Genetics
Classification: Uncertain significance. Last evaluated: 2024-03-26. Review status: criteria provided, single submitter. Criteria: ACMG Guidelines, 2015. Collection method: clinical testing. Allele origin: germline.

Labcorp Genetics (formerly Invitae), Labcorp
Classification: Uncertain significance for Neutrophil immunodeficiency syndrome. Last evaluated: 2024-02-24. Review status: criteria provided, single submitter. Criteria: Invitae Variant Classification Sherloc (09022015). Collection method: clinical testing. Allele origin: germline.
Comment: This sequence change replaces arginine, which is basic and polar, with tryptophan, which is neutral and slightly polar, at codon 174 of the RAC2 protein (p.Arg174Trp). This variant is not present in population databases (gnomAD no frequency). This variant has not been reported in the literature in individuals affected with RAC2-related conditions. ClinVar contains an entry for this variant (Variation ID: 1445460). An algorithm developed to predict the effect of missense changes on protein structure and function (PolyPhen-2) suggests that this variant is likely to be disruptive. In summary, the available evidence is currently insufficient to determine the role of this variant in disease. Therefore, it has been classified as a Variant of Uncertain Significance.

NM_002872.5(RAC2):c.520C>T (p.Arg174Trp)

Gene: RAC2 (Rac family small GTPase 2; minus strand). Cytogenetic location: 22q13.1.
Variant type: single nucleotide variant.
Coding change: c.520C>T on transcript NM_002872.5 (MANE Select); coding-DNA position 520, C replaced by T.
Protein change: p.Arg174Trp; replaces arginine 174 with tryptophan.
Molecular consequence: missense variant.
Genome position (GRCh38, 1-based): chr22:37,226,732, G>A on the plus strand (C>T on the coding strand, the complement: RAC2 is on the minus strand). VCF-style: chr22-37226732-G-A. GRCh37 (hg19) VCF-style: chr22-37622772-G-A.
Other names: short protein forms R174W.
Identifiers: ClinVar variation 1445460 (VCV001445460.7), dbSNP rs1926846479, ClinGen allele CA411441905.